The following is an entry in ClinVar:

NM_007325.5(GRIA3):c.227A>G (p.Asp76Gly)

Gene: GRIA3 (glutamate ionotropic receptor AMPA type subunit 3; plus strand). Cytogenetic location: Xq25.
Variant type: single nucleotide variant.
Coding change: c.227A>G on transcript NM_007325.5 (MANE Select); coding-DNA position 227, A replaced by G.
Protein change: p.Asp76Gly; replaces aspartic acid 76 with glycine.
Molecular consequence: missense variant.
Genome position (GRCh38, 1-based): chrX:123,185,949, A>G. VCF-style: chrX-123185949-A-G. GRCh37 (hg19) VCF-style: chrX-122319801-A-G.
Other names: NC_000023.10:g.122319801A>G; c.227A>G, p.Asp76Gly (NM_000828.5, NM_001256743.2); short protein forms D76G.
Identifiers: ClinVar variation 4293970 (VCV004293970.2).

ClinVar aggregate classification (germline): Uncertain significance (1 of 4 stars; one submission).

Conditions:
Syndromic X-linked intellectual disability 94 (MRXSW). Also called: MENTAL RETARDATION, X-LINKED, SYNDROMIC 29; X-linked intellectual disability due to GRIA3 anomalies. Identifiers: Orphanet 364028, MedGen C2678051, MONDO:0010402, OMIM 300699.

Submissions (2):

3billion
Classification: Uncertain significance for Syndromic X-linked intellectual disability 94. Last evaluated: 2024-12-05. Review status: criteria provided, single submitter. Criteria: ACMG Guidelines, 2015. Collection method: clinical testing. Allele origin: germline. Affected: yes.
Comment: The variant is not observed in the gnomAD v4.1.0 dataset. Predicted Consequence/Location: Missense variant. Missense changes are a common disease-causing mechanism. In silico tool predictions suggest damaging effect of the variant on gene or gene product [REVEL: 0.91 (>=0.6, sensitivity 0.68 and specificity 0.92)]. Therefore, this variant is classified as VUS according to the recommendation of ACMG/AMP guideline.

Dr. Peter K. Rogan Lab, Western University
No classification provided (evidence only). Condition: Nonpapillary renal cell carcinoma. Review status: no classification provided. Collection method: in vitro. Allele origin: not applicable. Functional consequence: retained intron. Not counted in ClinVar's aggregate classification.